The following is an entry in ClinVar:

ClinVar aggregate classification (germline): Pathogenic/Likely pathogenic. Review status: criteria provided, multiple submitters, no conflicts (2 of 4 stars). 5 submissions from 5 submitters: Pathogenic (2); Likely pathogenic (3). Last evaluated 2026-01-05.

Conditions:
DGUOK-related disorder. Also called: DGUOK-related condition.
Mitochondrial DNA depletion syndrome 3 (hepatocerebral type). Also called: Mitochondrial DNA depletion syndrome, hepatocerebral form due to DGUOK deficiency; Deoxyguanosine Kinase Deficiency; MITOCHONDRIAL DNA DEPLETION SYNDROME 3. Identifiers: Orphanet 279934, MedGen CN074093, MONDO:0009636, OMIM 251880.
Portal hypertension, noncirrhotic, 1 (NCPH1). Identifiers: MedGen CN305369, MONDO:8000013, OMIM 617068.
Progressive external ophthalmoplegia with mitochondrial DNA deletions, autosomal recessive 4. Also called: PROGRESSIVE EXTERNAL OPHTHALMOPLEGIA, AUTOSOMAL RECESSIVE 4; Adult-onset multiple mitochondrial DNA deletion syndrome due to DGUOK deficiency. Identifiers: Orphanet 329314, MedGen C4310733, MONDO:0014899, OMIM 617070.

gnomAD v4.1: 12 of 1,562,246 alleles (0.00077%); highest among the groups gnomAD compares: Admixed American, 0.015%; no homozygotes.

Submissions (5):

Labcorp Genetics (formerly Invitae), Labcorp
Classification: Likely pathogenic. Last evaluated: 2026-01-05. Review status: criteria provided, single submitter. Criteria: Invitae Variant Classification Sherloc (09022015). Collection method: clinical testing. Allele origin: germline.
Comment: This sequence change falls in intron 3 of the DGUOK gene. It does not directly change the encoded amino acid sequence of the DGUOK protein. RNA analysis indicates that this variant induces altered splicing and likely results in the gain of 20 amino acid residue(s), but is expected to preserve the integrity of the reading-frame. This variant is not present in population databases (gnomAD no frequency). This variant has been observed in individuals with mitochondrial DNA depletion syndrome (PMID: 19394258; external communication). It has also been observed to segregate with disease in related individuals. ClinVar contains an entry for this variant (Variation ID: 1403676). Studies have shown that this variant results in the activation of a cryptic splice site in intron 3 (PMID: 19394258). In summary, the currently available evidence indicates that the variant is pathogenic, but additional data are needed to prove that conclusively. Therefore, this variant has been classified as Likely Pathogenic.

PreventionGenetics, part of Exact Sciences
Classification: Likely pathogenic for DGUOK-related condition. Last evaluated: 2025-07-30. Review status: criteria provided, single submitter. Criteria: ACMG Guidelines, 2015. Collection method: clinical testing. Allele origin: germline.
Comment: The DGUOK c.444-62C>A variant is predicted to interfere with splicing. This variant has been reported in three affected individuals from two unrelated families with mitochondrial DNA depletion syndrome, and segregated with the disease in both families (Brahimi et al 2009. PubMed ID: 19394258). RT-PCR analysis showed that this variant creates a new splice acceptor site in intron 3, leading to a insertion of a 60bp cryptic exon between exons 3 and 4. In silico analysis of the insertion shows serious clashes in protein conformation (Brahimi et al 2009. PubMed ID: 19394258). This variant has not been reported in a large population database, indicating this variant is rare. Based on these observations, this variant is classified as likely pathogenic.

Fulgent Genetics
Classification: Likely pathogenic for Mitochondrial DNA depletion syndrome 3 (hepatocerebral type); Portal hypertension, noncirrhotic, 1; Progressive external ophthalmoplegia with mitochondrial DNA deletions, autosomal recessive 4. Last evaluated: 2024-04-18. Review status: criteria provided, single submitter. Criteria: ACMG Guidelines, 2015. Collection method: clinical testing. Allele origin: germline.

Women's Health and Genetics/Laboratory Corporation of America, LabCorp
Classification: Pathogenic for Mitochondrial DNA depletion syndrome 3 (hepatocerebral type). Last evaluated: 2024-04-15. Review status: criteria provided, single submitter. Criteria: LabCorp Variant Classification Summary - May 2015. Collection method: clinical testing. Allele origin: germline.
Comment: Variant summary: DGUOK c.444-62C>A is located at a position not widely known to affect splicing. Several computational tools predict a significant impact on normal splicing: Four predict the variant creates a cryptic 3' acceptor site. At least one publication reports experimental evidence that this variant affects mRNA splicing (Brahimi_2009). The variant was absent in 250954 control chromosomes (gnomAD). c.444-62C>A has been reported in the literature in multiple individuals affected with combined respiratory chain deficiencies and mitochondrial DNA depletion in the liver (Brahimi_2009). These data indicate that the variant is very likely to be associated with disease. The following publication has been ascertained in the context of this evaluation (PMID: 19394258). ClinVar contains an entry for this variant (Variation ID: 1403676). Based on the evidence outlined above, the variant was classified as pathogenic.

Blueprint Genetics
Classification: Pathogenic for DGUOK-related disorders. Last evaluated: 2021-07-20. Review status: criteria provided, single submitter. Criteria: ACMG Guidelines, 2015. Collection method: clinical testing. Allele origin: germline. Affected: yes. Observed: 1 variant allele.

Literature cited by the submitters: PubMed 19394258 (cited by Labcorp Genetics (formerly Invitae), Labcorp and Women's Health and Genetics/Laboratory Corporation of America, LabCorp).

NM_080916.3(DGUOK):c.444-62C>A

Gene: DGUOK (deoxyguanosine kinase; plus strand). Cytogenetic location: 2p13.1.
Variant type: single nucleotide variant.
Coding change: c.444-62C>A on transcript NM_080916.3 (MANE Select); 62 bases into the intron before coding-DNA position 444, C replaced by A.
Molecular consequence: intron variant.
Genome position (GRCh38, 1-based): chr2:73,950,523, C>A. VCF-style: chr2-73950523-C-A. GRCh37 (hg19) VCF-style: chr2-74177650-C-A.
Other names: c.444-62C>A (NM_080916.2); c.153-62C>A (NM_001318861.2, NM_001318860.2); c.135-62C>A (NM_001318862.2, NM_001318863.2); c.443+3617C>A (NM_080918.3); c.425+3635C>A (NM_001318859.2).
Identifiers: ClinVar variation 1403676 (VCV001403676.10), dbSNP rs528587600, ClinGen allele CA1032235572.